The following is an entry in ClinVar:

NM_001040716.2(PC):c.1409A>G (p.Gln470Arg)

Gene: PC (pyruvate carboxylase; minus strand). Cytogenetic location: 11q13.2.
Variant type: single nucleotide variant.
Coding change: c.1409A>G on transcript NM_001040716.2 (MANE Select); coding-DNA position 1409, A replaced by G.
Protein change: p.Gln470Arg; replaces glutamine 470 with arginine.
Molecular consequence: missense variant.
Genome position (GRCh38, 1-based): chr11:66,853,343, T>C on the plus strand (A>G on the coding strand, the complement: PC is on the minus strand). VCF-style: chr11-66853343-T-C. GRCh37 (hg19) VCF-style: chr11-66620814-T-C.
Other names: c.1409A>G, p.Gln470Arg (NM_000920.4, NM_022172.3); short protein forms Q470R.
Identifiers: ClinVar variation 967328 (VCV000967328.4), dbSNP rs940286072, ClinGen allele CA224124214.

ClinVar aggregate classification (germline): Uncertain significance (1 of 4 stars; one submission).

Conditions:
Pyruvate carboxylase deficiency. Also called: Pyruvate Carboxylase Deficiency Disease; ATAXIA WITH LACTIC ACIDOSIS II; LEIGH NECROTIZING ENCEPHALOPATHY DUE TO PYRUVATE CARBOXYLASE DEFICIENCY; LEIGH SYNDROME DUE TO PYRUVATE CARBOXYLASE DEFICIENCY; PC DEFICIENCY. Identifiers: Orphanet 3008, MedGen C0034341, MONDO:0009949, OMIM 266150.

Allele frequency attached by ClinVar (database versions not stated): gnomAD exomes below 0.00001 and 0.00001; gnomAD 0.00001 and 0.00007; TOPMed 0.00022.
gnomAD v4.1: 14 of 1,613,914 alleles (0.00087%); highest among the groups gnomAD compares: Non-Finnish European, 0.00034%; no homozygotes.

Submission:

Labcorp Genetics (formerly Invitae), Labcorp
Classification: Uncertain significance for Pyruvate carboxylase deficiency. Last evaluated: 2022-02-03. Review status: criteria provided, single submitter. Criteria: Invitae Variant Classification Sherloc (09022015). Collection method: clinical testing. Allele origin: germline.
Comment: This sequence change replaces glutamine, which is neutral and polar, with arginine, which is basic and polar, at codon 470 of the PC protein (p.Gln470Arg). This variant is present in population databases (no rsID available, gnomAD 0.002%). This variant has not been reported in the literature in individuals affected with PC-related conditions. ClinVar contains an entry for this variant (Variation ID: 967328). Algorithms developed to predict the effect of missense changes on protein structure and function (SIFT, PolyPhen-2, Align-GVGD) all suggest that this variant is likely to be tolerated. In summary, the available evidence is currently insufficient to determine the role of this variant in disease. Therefore, it has been classified as a Variant of Uncertain Significance.